The following is an entry in ClinVar:

ClinVar aggregate classification (germline): Uncertain significance (1 of 4 stars; one submission).

Submission:

Ambry Genetics
Classification: Uncertain significance. Last evaluated: 2023-04-23. Review status: criteria provided, single submitter. Criteria: Ambry Variant Classification Scheme 2023. Collection method: clinical testing. Allele origin: germline.
Comment: The p.S563L variant (also known as c.1688C>T), located in coding exon 15 of the BUB1 gene, results from a C to T substitution at nucleotide position 1688. The serine at codon 563 is replaced by leucine, an amino acid with dissimilar properties. This amino acid position is conserved. In addition, this alteration is predicted to be tolerated by in silico analysis. Since supporting evidence is limited at this time, the clinical significance of this alteration remains unclear.

NM_004336.5(BUB1):c.1688C>T (p.Ser563Leu)

Gene: BUB1 (BUB1 mitotic checkpoint serine/threonine kinase; minus strand). Cytogenetic location: 2q13.
Variant type: single nucleotide variant.
Coding change: c.1688C>T on transcript NM_004336.5 (MANE Select); coding-DNA position 1688, C replaced by T.
Protein change: p.Ser563Leu; replaces serine 563 with leucine.
Molecular consequence: missense variant.
Genome position (GRCh38, 1-based): chr2:110,657,046, G>A on the plus strand (C>T on the coding strand, the complement: BUB1 is on the minus strand). VCF-style: chr2-110657046-G-A. GRCh37 (hg19) VCF-style: chr2-111414623-G-A.
Other names: c.1628C>T, p.Ser543Leu (NM_001278616.2); c.1688C>T, p.Ser563Leu (NM_001278617.2); short protein forms S543L, S563L.
Identifiers: ClinVar variation 2565793 (VCV002565793.2), dbSNP rs2468005868, ClinGen allele CA348211318.